The following is an entry in ClinVar:

NM_032444.4(SLX4):c.2650A>G (p.Ser884Gly)

Gene: SLX4 (SLX4 structure-specific endonuclease subunit; minus strand). Cytogenetic location: 16p13.3.
Variant type: single nucleotide variant.
Coding change: c.2650A>G on transcript NM_032444.4 (MANE Select); coding-DNA position 2650, A replaced by G.
Protein change: p.Ser884Gly; replaces serine 884 with glycine.
Molecular consequence: missense variant.
Genome position (GRCh38, 1-based): chr16:3,590,988, T>C on the plus strand (A>G on the coding strand, the complement: SLX4 is on the minus strand). VCF-style: chr16-3590988-T-C. GRCh37 (hg19) VCF-style: chr16-3640989-T-C.
Other names: short protein forms S884G.
Identifiers: ClinVar variation 2164579 (VCV002164579.4), dbSNP rs774427628, ClinGen allele CA394523249.

ClinVar aggregate classification (germline): Uncertain significance (1 of 4 stars; one submission).

Conditions:
Fanconi anemia (FA). Also called: Fanconi's anemia. Identifiers: Orphanet 84, MedGen C0015625, MeSH D005199, MONDO:0019391.

Allele frequency attached by ClinVar (database versions not stated): TOPMed below 0.00001.

Submission:

Labcorp Genetics (formerly Invitae), Labcorp
Classification: Uncertain significance for Fanconi anemia. Last evaluated: 2022-02-20. Review status: criteria provided, single submitter. Criteria: Invitae Variant Classification Sherloc (09022015). Collection method: clinical testing. Allele origin: germline.
Comment: This variant has not been reported in the literature in individuals affected with SLX4-related conditions. In summary, the available evidence is currently insufficient to determine the role of this variant in disease. Therefore, it has been classified as a Variant of Uncertain Significance. Algorithms developed to predict the effect of missense changes on protein structure and function output the following: SIFT: "Tolerated"; PolyPhen-2: "Benign"; Align-GVGD: "Class C0". The glycine amino acid residue is found in multiple mammalian species, which suggests that this missense change does not adversely affect protein function. This variant is not present in population databases (gnomAD no frequency). This sequence change replaces serine, which is neutral and polar, with glycine, which is neutral and non-polar, at codon 884 of the SLX4 protein (p.Ser884Gly).